The following is an entry in ClinVar:

NM_001371623.1(TCOF1):c.3496G>C (p.Ala1166Pro)

Gene: TCOF1 (treacle ribosome biogenesis factor 1; plus strand). Cytogenetic location: 5q32.
Variant type: single nucleotide variant.
Coding change: c.3496G>C on transcript NM_001371623.1 (MANE Select); coding-DNA position 3496, G replaced by C.
Protein change: p.Ala1166Pro; replaces alanine 1166 with proline.
Molecular consequence: missense variant.
Genome position (GRCh38, 1-based): chr5:150,392,155, G>C. VCF-style: chr5-150392155-G-C. GRCh37 (hg19) VCF-style: chr5-149771718-G-C.
Other names: c.3265G>C, p.Ala1089Pro (NM_000356.4, NM_001135245.2); c.3496G>C, p.Ala1166Pro (NM_001135243.2); c.3382G>C, p.Ala1128Pro (NM_001135244.2, NM_001195141.2); c.3262G>C, p.Ala1088Pro (NM_001437406.1); short protein forms A1088P, A1089P, A1128P, A1166P.
Identifiers: ClinVar variation 4686431 (VCV004686431.1).
Genomic context (GRCh38, chr5:150,392,155, plus strand): 5'-AGTGAGGACAGCAGCGACAGTTCTTCAGGGAGTGAGGAAGATGGTGAAGGGCCCCAGGGG[G>C]CCAAGTCAGCCCACACGCTGGGTGAGGGTGCCAGGGGAAAGGCAAGGGTGGGCCAGGAAG-3'
Protein context (NP_001358552.1, residues 1156-1176): SEEDGEGPQG[Ala1166Pro]KSAHTLVGPT

ClinVar aggregate classification (germline): Uncertain significance (1 of 4 stars; one submission).

gnomAD v4.1: 1 of 1,614,142 alleles (0.000062%); highest among the groups gnomAD compares: Admixed American, 0.0017%; no homozygotes.

Submission:

GeneDx
Classification: Uncertain significance. Last evaluated: 2025-07-17. Review status: criteria provided, single submitter. Criteria: GeneDx Variant Classification Process June 2021. Collection method: clinical testing. Allele origin: germline. Affected: yes.
Comment: In silico analysis suggests that this missense variant does not alter protein structure/function; Has not been previously published as pathogenic or benign to our knowledge